The following is an entry in ClinVar:

NM_001378454.1(ALMS1):c.12362+16_12362+18delinsT

Gene: ALMS1 (ALMS1 centrosome and basal body associated protein; plus strand). Cytogenetic location: 2p13.1.
Variant type: Indel.
Coding change: c.12362+16_12362+18delinsT on transcript NM_001378454.1 (MANE Select); bases 16 to 18 of the intron after coding-DNA position 12362, CAA replaced by T.
Molecular consequence: intron variant.
Genome position (GRCh38, 1-based): chr2:73,603,320-73,603,322, CAA replaced by T. VCF-style: chr2-73603320-CAA-T. GRCh37 (hg19) VCF-style: chr2-73830447-CAA-T.
Other names: c.12362+16_12362+18delinsT (NM_015120.4); c.12365+16_12365+18delinsT (NM_015120.4).
Identifiers: ClinVar variation 3063699 (VCV003063699.1), dbSNP rs2466529865, ClinGen allele CA2740095646.

ClinVar aggregate classification (germline): Benign (1 of 4 stars; one submission).

Submission:

Women's Health and Genetics/Laboratory Corporation of America, LabCorp
Classification: Benign. Last evaluated: 2024-01-29. Review status: criteria provided, single submitter. Criteria: LabCorp Variant Classification Summary - May 2015. Collection method: clinical testing. Allele origin: germline.
Comment: Variant summary: ALMS1 c.12359+16_12359+18delinsT alters a non-conserved nucleotide located at a position not widely known to affect splicing. Consensus agreement among computation tools predict no significant impact on normal splicing. However, these predictions have yet to be confirmed by functional studies. The variant allele was found at a frequency of 0.0015 in 282214 control chromosomes, predominantly at a frequency of 0.016 within the African or African-American subpopulation in the gnomAD database, including 4 homozygotes. The observed variant frequency within African or African-American control individuals in the gnomAD database is approximately 11.085 fold of the estimated maximal expected allele frequency for a pathogenic variant in ALMS1 causing Alstrom Syndrome phenotype (0.0014), strongly suggesting that the variant is a benign polymorphism found primarily in populations of African or African-American origin. To our knowledge, no occurrence of c.12359+16_12359+18delinsT in individuals affected with Alstrom Syndrome and no experimental evidence demonstrating its impact on protein function have been reported. No submitters have cited clinical-significance assessments for this variant to ClinVar. Based on the evidence outlined above, the variant was classified as benign.